The following is an entry in ClinVar:

NM_000350.3(ABCA4):c.470T>A (p.Leu157Ter)

Gene: ABCA4 (ATP binding cassette subfamily A member 4; minus strand). Cytogenetic location: 1p22.1.
Variant type: single nucleotide variant.
Coding change: c.470T>A on transcript NM_000350.3 (MANE Select); coding-DNA position 470, T replaced by A.
Protein change: p.Leu157Ter; replaces leucine 157 with a stop codon.
Molecular consequence: nonsense.
Genome position (GRCh38, 1-based): chr1:94,103,115, A>T on the plus strand (T>A on the coding strand, the complement: ABCA4 is on the minus strand). VCF-style: chr1-94103115-A-T. GRCh37 (hg19) VCF-style: chr1-94568671-A-T.
Other names: c.470T>A, p.Leu157Ter (NM_001425324.1); short protein forms L157*.
Identifiers: ClinVar variation 1454995 (VCV001454995.10), dbSNP rs953605928, ClinGen allele CA26891117.

ClinVar aggregate classification (germline): Pathogenic. Review status: criteria provided, multiple submitters, no conflicts (2 of 4 stars). 4 submissions from 4 submitters: Pathogenic (3). 1 of the submissions does not count toward it. Last evaluated 2025-02-03.

Conditions:
ABCA4-related disorder. Also called: ABCA4-related disorders; ABCA4-related condition. Identifiers: MedGen CN239167.

Submissions (4):

GeneDx
Classification: Pathogenic. Last evaluated: 2025-02-03. Review status: criteria provided, single submitter. Criteria: GeneDx Variant Classification Process June 2021. Collection method: clinical testing. Allele origin: germline. Affected: yes.
Comment: Nonsense variant predicted to result in protein truncation or nonsense mediated decay in a gene for which loss of function is a known mechanism of disease; Not observed at significant frequency in large population cohorts (gnomAD); This variant is associated with the following publications: (PMID: 29555955, 39043154, 35120629)

Labcorp Genetics (formerly Invitae), Labcorp
Classification: Pathogenic. Last evaluated: 2024-03-26. Review status: criteria provided, single submitter. Criteria: Invitae Variant Classification Sherloc (09022015). Collection method: clinical testing. Allele origin: germline.
Comment: This sequence change creates a premature translational stop signal (p.Leu157*) in the ABCA4 gene. It is expected to result in an absent or disrupted protein product. Loss-of-function variants in ABCA4 are known to be pathogenic (PMID: 10958761, 24938718, 25312043, 26780318). This variant is not present in population databases (gnomAD no frequency). This premature translational stop signal has been observed in individual(s) with ABCA4-related conditions (PMID: 29555955). ClinVar contains an entry for this variant (Variation ID: 1454995). For these reasons, this variant has been classified as Pathogenic.

Blueprint Genetics
Classification: Pathogenic for ABCA4-related disorders. Last evaluated: 2021-11-20. Review status: criteria provided, single submitter. Criteria: ACMG Guidelines, 2015. Collection method: clinical testing. Allele origin: germline. Affected: yes. Observed: 5 variant alleles.

PreventionGenetics, part of Exact Sciences
Classification: Pathogenic for ABCA4-related condition. Last evaluated: 2024-01-16. Review status: no assertion criteria provided. Collection method: clinical testing. Allele origin: germline. Not counted in ClinVar's aggregate classification.
Comment: The ABCA4 c.470T>A variant is predicted to result in premature protein termination (p.Leu157*). This variant has been reported in the heterozygous state along with a common ABCA4 variant in the homozygous state (c.5603A>T, p.Asn1868Ile) in an individual with a retinal dystrophy (Table S1, Birtel et al. 2018. PubMed ID: 29555955). This variant has not been reported in a large population database, indicating this variant is rare. Nonsense variants in ABCA4 are expected to be pathogenic. Given the evidence, we interpret this variant as pathogenic.

Literature cited by the submitters: PubMed 10958761 (cited by Labcorp Genetics (formerly Invitae), Labcorp); PubMed 24938718 (cited by Labcorp Genetics (formerly Invitae), Labcorp); PubMed 25312043 (cited by Labcorp Genetics (formerly Invitae), Labcorp); PubMed 26780318 (cited by Labcorp Genetics (formerly Invitae), Labcorp); PubMed 29555955 (cited by Labcorp Genetics (formerly Invitae), Labcorp).